The following is an entry in ClinVar:

ClinVar aggregate classification (germline): Uncertain significance. Review status: criteria provided, multiple submitters, no conflicts (2 of 4 stars). 2 submissions from 2 submitters: Uncertain significance (2). Last evaluated 2025-06-22.

Conditions:
Cardiovascular phenotype. Identifiers: MedGen CN230736.
Progressive familial heart block type IB (PFHB1B). Identifiers: Orphanet 871, MedGen C1970298, MONDO:0011474, OMIM 604559.

Allele frequency attached by ClinVar (database versions not stated): gnomAD exomes below 0.00001; gnomAD 0.00001; TOPMed 0.00001.
gnomAD v4.1: 5 of 1,613,638 alleles (0.00031%); highest among the groups gnomAD compares: African/African-American, 0.004%; no homozygotes.

Submissions (2):

Labcorp Genetics (formerly Invitae), Labcorp
Classification: Uncertain significance for Progressive familial heart block type IB. Last evaluated: 2025-06-22. Review status: criteria provided, single submitter. Criteria: Invitae Variant Classification Sherloc (09022015). Collection method: clinical testing. Allele origin: germline.
Comment: This sequence change replaces isoleucine, which is neutral and non-polar, with valine, which is neutral and non-polar, at codon 11 of the TRPM4 protein (p.Ile11Val). This variant is present in population databases (no rsID available, gnomAD 0.01%). This variant has not been reported in the literature in individuals affected with TRPM4-related conditions. ClinVar contains an entry for this variant (Variation ID: 1728778). An algorithm developed to predict the effect of missense changes on protein structure and function (PolyPhen-2) suggests that this variant is likely to be tolerated. In summary, the available evidence is currently insufficient to determine the role of this variant in disease. Therefore, it has been classified as a Variant of Uncertain Significance.

Ambry Genetics
Classification: Uncertain significance for Cardiovascular phenotype. Last evaluated: 2022-07-23. Review status: criteria provided, single submitter. Criteria: Ambry Variant Classification Scheme 2023. Collection method: clinical testing. Allele origin: germline.
Comment: The p.I11V variant (also known as c.31A>G), located in coding exon 2 of the TRPM4 gene, results from an A to G substitution at nucleotide position 31. The isoleucine at codon 11 is replaced by valine, an amino acid with highly similar properties. This amino acid position is highly conserved in available vertebrate species. In addition, this alteration is predicted to be tolerated by in silico analysis. Since supporting evidence is limited at this time, the clinical significance of this alteration remains unclear.

NM_017636.4(TRPM4):c.31A>G (p.Ile11Val)

Gene: TRPM4 (transient receptor potential cation channel subfamily M member 4; plus strand). Cytogenetic location: 19q13.33.
Variant type: single nucleotide variant.
Coding change: c.31A>G on transcript NM_017636.4 (MANE Select); coding-DNA position 31, A replaced by G.
Protein change: p.Ile11Val; replaces isoleucine 11 with valine.
Molecular consequence: missense variant. On other transcripts: 5 prime UTR variant (3).
Genome position (GRCh38, 1-based): chr19:49,158,198, A>G. VCF-style: chr19-49158198-A-G. GRCh37 (hg19) VCF-style: chr19-49661455-A-G.
Other names: c.31A>G, p.Ile11Val (NM_001195227.2, NM_001321281.2); c.-1342A>G (NM_001321282.2); c.-136A>G (NM_001321283.2); c.-299A>G (NM_001321285.2); short protein forms I11V.
Identifiers: ClinVar variation 1728778 (VCV001728778.3), dbSNP rs1396348949, ClinGen allele CA406787852.